The following is an entry in ClinVar:

ClinVar aggregate classification (germline): Uncertain significance. Review status: criteria provided, multiple submitters, no conflicts (2 of 4 stars). 2 submissions from 2 submitters: Uncertain significance (2). Last evaluated 2026-01-27.

Conditions:
PLEC-related disorder. Also called: PLEC-related disorders; PLEC-related condition.
Epidermolysis bullosa simplex, Ogna type (EBS5A). Also called: Pidermolysis bullosa simplex 5A, Ogna type; EPIDERMOLYSIS BULLOSA SIMPLEX 5A, OGNA TYPE. Identifiers: Orphanet 79401, MedGen C0432317, MONDO:0007555, OMIM 131950.
Epidermolysis bullosa simplex 5B, with muscular dystrophy (EBS5B). Also called: Epidermolysis bullosa simplex with muscular dystrophy; EPIDERMOLYSIS BULLOSA SIMPLEX AND LIMB-GIRDLE MUSCULAR DYSTROPHY. Identifiers: Orphanet 257, MedGen C2931072, MONDO:0009181, OMIM 226670.
Epidermolysis bullosa simplex with nail dystrophy (EBS5D). Identifiers: MedGen C4225309, MONDO:0014661, OMIM 616487.
Autosomal recessive limb-girdle muscular dystrophy type 2Q (LGMDR17). Also called: MUSCULAR DYSTROPHY, LIMB-GIRDLE, AUTOSOMAL RECESSIVE 17. Identifiers: Orphanet 254361, MedGen C3150989, MONDO:0013390, OMIM 613723.
Epidermolysis bullosa simplex 5C, with pyloric atresia (EBS5C). Also called: PLEC-Related Epidermolysis Bullosa with Pyloric Atresia; Epidermolysis bullosa simplex with pyloric atresia; PLEC1-Related Epidermolysis Bullosa with Pyloric Atresia. Identifiers: Orphanet 158684, MedGen C2677349, MONDO:0012807, OMIM 612138.

Allele frequency attached by ClinVar (database versions not stated): gnomAD exomes 0.00001 and 0.00002; gnomAD 0.00002; TOPMed 0.00002; ExAC 0.00007.
gnomAD v4.1: 22 of 1,588,128 alleles (0.0014%); highest among the groups gnomAD compares: East Asian, 0.0045%; no homozygotes.

Submissions (2):

Labcorp Genetics (formerly Invitae), Labcorp
Classification: Uncertain significance for Autosomal recessive limb-girdle muscular dystrophy type 2Q; Epidermolysis bullosa simplex, Ogna type; Epidermolysis bullosa simplex with nail dystrophy; Epidermolysis bullosa simplex 5C, with pyloric atresia; Epidermolysis bullosa simplex 5B, with muscular dystrophy. Last evaluated: 2026-01-27. Review status: criteria provided, single submitter. Criteria: Invitae Variant Classification Sherloc (09022015). Collection method: clinical testing. Allele origin: germline.
Comment: This sequence change replaces arginine, which is basic and polar, with tryptophan, which is neutral and slightly polar, at codon 1588 of the PLEC protein (p.Arg1588Trp). The frequency data for this variant in the population databases is considered unreliable, as metrics indicate poor data quality at this position in the gnomAD database. This variant has not been reported in the literature in individuals affected with PLEC-related conditions. ClinVar contains an entry for this variant (Variation ID: 538956). Invitae Evidence Modeling of protein sequence and biophysical properties (such as structural, functional, and spatial information, amino acid conservation, physicochemical variation, residue mobility, and thermodynamic stability) indicates that this missense variant is not expected to disrupt PLEC protein function with a negative predictive value of 80%. In summary, the available evidence is currently insufficient to determine the role of this variant in disease. Therefore, it has been classified as a Variant of Uncertain Significance.

PreventionGenetics, part of Exact Sciences
Classification: Uncertain significance for PLEC-related condition. Last evaluated: 2025-04-01. Review status: criteria provided, single submitter. Criteria: ACMG Guidelines, 2015. Collection method: clinical testing. Allele origin: germline.
Comment: The PLEC c.4762C>T variant is predicted to result in the amino acid substitution p.Arg1588Trp. To our knowledge, this variant has not been reported in the literature. This variant is reported in 0.0096% of alleles in individuals of African descent in gnomAD. At this time, the clinical significance of this variant is uncertain due to the absence of conclusive functional and genetic evidence.

NM_201384.3(PLEC):c.4681C>T (p.Arg1561Trp)

Gene: PLEC (plectin; minus strand). Cytogenetic location: 8q24.3.
Variant type: single nucleotide variant.
Coding change: c.4681C>T on transcript NM_201384.3 (MANE Select); coding-DNA position 4681, C replaced by T.
Protein change: p.Arg1561Trp; replaces arginine 1561 with tryptophan.
Molecular consequence: missense variant.
Genome position (GRCh38, 1-based): chr8:143,925,248, G>A on the plus strand (C>T on the coding strand, the complement: PLEC is on the minus strand). VCF-style: chr8-143925248-G-A. GRCh37 (hg19) VCF-style: chr8-144999416-G-A.
Other names: c.4762C>T, p.Arg1588Trp (NM_000445.5); c.4639C>T, p.Arg1547Trp (NM_201378.4); c.4615C>T, p.Arg1539Trp (NM_201379.3); c.5092C>T, p.Arg1698Trp (NM_201380.4); c.4585C>T, p.Arg1529Trp (NM_201381.3); c.4681C>T, p.Arg1561Trp (NM_201382.4); c.4693C>T, p.Arg1565Trp (NM_201383.3); short protein forms R1529W, R1539W, R1565W, R1588W, R1561W, R1547W, R1698W.
Identifiers: ClinVar variation 538956 (VCV000538956.9), dbSNP rs782648800, ClinGen allele CA4926574.